The following is an entry in ClinVar:

ClinVar aggregate classification (germline): Uncertain significance. Review status: criteria provided, multiple submitters, no conflicts (2 of 4 stars). 3 submissions from 3 submitters: Uncertain significance (3). Last evaluated 2024-03-25.

Conditions:
Congenital muscular dystrophy due to integrin alpha-7 deficiency. Also called: Congenital muscular dystrophy with integrin alpha-7 deficiency; Muscular dystrophy, congenital, due to ITGA7 deficiency; MYOPATHY, CONGENITAL, DUE TO INTEGRIN ALPHA-7 DEFICIENCY. Identifiers: Orphanet 34520, MedGen C2750786, MONDO:0013177, OMIM 613204.

Allele frequency attached by ClinVar (database versions not stated): gnomAD 0.00003 and 0.00004; TOPMed 0.00003; gnomAD exomes 0.00005; ExAC 0.00008.
gnomAD v4.1: 160 of 1,613,682 alleles (0.0099%); highest among the groups gnomAD compares: Non-Finnish European, 0.013%; no homozygotes.

Submissions (3):

Ambry Genetics
Classification: Uncertain significance. Last evaluated: 2024-03-25. Review status: criteria provided, single submitter. Criteria: Ambry Variant Classification Scheme 2023. Collection method: clinical testing. Allele origin: germline.

Labcorp Genetics (formerly Invitae), Labcorp
Classification: Uncertain significance for Congenital muscular dystrophy due to integrin alpha-7 deficiency. Last evaluated: 2022-07-26. Review status: criteria provided, single submitter. Criteria: Invitae Variant Classification Sherloc (09022015). Collection method: clinical testing. Allele origin: germline.
Comment: This sequence change replaces tyrosine, which is neutral and polar, with cysteine, which is neutral and slightly polar, at codon 526 of the ITGA7 protein (p.Tyr526Cys). This variant is present in population databases (rs201280060, gnomAD 0.008%). This variant has not been reported in the literature in individuals affected with ITGA7-related conditions. ClinVar contains an entry for this variant (Variation ID: 470566). Algorithms developed to predict the effect of missense changes on protein structure and function are either unavailable or do not agree on the potential impact of this missense change (SIFT: "Deleterious"; PolyPhen-2: "Probably Damaging"; Align-GVGD: "Class C0"). Algorithms developed to predict the effect of sequence changes on RNA splicing suggest that this variant may create or strengthen a splice site. In summary, the available evidence is currently insufficient to determine the role of this variant in disease. Therefore, it has been classified as a Variant of Uncertain Significance.

Revvity Omics, Revvity
Classification: Uncertain significance for Congenital muscular dystrophy due to integrin alpha-7 deficiency. Last evaluated: 2019-04-10. Review status: criteria provided, single submitter. Criteria: ACMG Guidelines, 2015. Collection method: clinical testing. Allele origin: germline.

NM_002206.3(ITGA7):c.1577A>G (p.Tyr526Cys)

Gene: ITGA7 (integrin subunit alpha 7; minus strand). Cytogenetic location: 12q13.2.
Variant type: single nucleotide variant.
Coding change: c.1577A>G on transcript NM_002206.3 (MANE Select); coding-DNA position 1577, A replaced by G.
Protein change: p.Tyr526Cys; replaces tyrosine 526 with cysteine.
Molecular consequence: missense variant. On other transcripts: intron variant (1).
Genome position (GRCh38, 1-based): chr12:55,697,059, T>C on the plus strand (A>G on the coding strand, the complement: ITGA7 is on the minus strand). VCF-style: chr12-55697059-T-C. GRCh37 (hg19) VCF-style: chr12-56090843-T-C.
Other names: c.1589A>G, p.Tyr530Cys (NM_001144996.2); c.1298A>G, p.Tyr433Cys (NM_001144997.2); c.1250A>G, p.Tyr417Cys (NM_001367993.1); c.233A>G, p.Tyr78Cys (NM_001367994.1); c.1709A>G, p.Tyr570Cys (NM_001410977.1); c.1502A>G, p.Tyr501Cys (NM_001414030.1); c.1490A>G, p.Tyr497Cys (NM_001414031.1); c.1457A>G, p.Tyr486Cys (NM_001414032.1); and 4 more; short protein forms Y433C, Y526C, Y78C, Y417C, Y530C, Y570C, Y486C, Y497C.
Identifiers: ClinVar variation 470566 (VCV000470566.7), dbSNP rs201280060, ClinGen allele CA6615891.